The following is an entry in ClinVar:

NM_000180.4(GUCY2D):c.2950T>C (p.Cys984Arg)

Gene: GUCY2D (guanylate cyclase 2D, retinal; plus strand). Cytogenetic location: 17p13.1.
Variant type: single nucleotide variant.
Coding change: c.2950T>C on transcript NM_000180.4 (MANE Select); coding-DNA position 2950, T replaced by C.
Protein change: p.Cys984Arg; replaces cysteine 984 with arginine.
Molecular consequence: missense variant.
Genome position (GRCh38, 1-based): chr17:8,015,748, T>C. VCF-style: chr17-8015748-T-C. GRCh37 (hg19) VCF-style: chr17-7919066-T-C.
Other names: short protein forms C984R.
Identifiers: ClinVar variation 860904 (VCV000860904.11), dbSNP rs1975956164, ClinGen allele CA397955089.

ClinVar aggregate classification (germline): Uncertain significance (1 of 4 stars; one submission).

Conditions:
Leber congenital amaurosis 1 (LCA1). Also called: RETINAL BLINDNESS, CONGENITAL; AMAUROSIS CONGENITA OF LEBER I; Congenital absence of the rods and cones; Leber's congenital tapetoretinal degeneration; Leber's congenital tapetoretinal dysplasia. Identifiers: Orphanet 65, MedGen C2931258, MONDO:0008764, OMIM 204000.
Cone-rod dystrophy 6 (CORD6). Also called: RETINAL CONE DYSTROPHY 2; Cone dystrophy progressive. Identifiers: Orphanet 1872, MedGen C1866293, MONDO:0011143, OMIM 601777.

Submission:

Labcorp Genetics (formerly Invitae), Labcorp
Classification: Uncertain significance for Leber congenital amaurosis 1; Cone-rod dystrophy 6. Last evaluated: 2022-11-08. Review status: criteria provided, single submitter. Criteria: Invitae Variant Classification Sherloc (09022015). Collection method: clinical testing. Allele origin: germline.
Comment: This sequence change replaces cysteine, which is neutral and slightly polar, with arginine, which is basic and polar, at codon 984 of the GUCY2D protein (p.Cys984Arg). This variant is not present in population databases (gnomAD no frequency). This missense change has been observed in individual(s) with retinitis pigmentosa (PMID: 28838317). ClinVar contains an entry for this variant (Variation ID: 860904). Algorithms developed to predict the effect of missense changes on protein structure and function (SIFT, PolyPhen-2, Align-GVGD) all suggest that this variant is likely to be disruptive. In summary, the available evidence is currently insufficient to determine the role of this variant in disease. Therefore, it has been classified as a Variant of Uncertain Significance.

Literature cited by the submitters: PubMed 28838317.